The following is an entry in ClinVar:

NM_001008216.2(GALE):c.709+14C>G

Gene: GALE (UDP-galactose-4-epimerase; minus strand). Cytogenetic location: 1p36.11.
Variant type: single nucleotide variant.
Coding change: c.709+14C>G on transcript NM_001008216.2 (MANE Select); 14 bases into the intron after coding-DNA position 709, C replaced by G.
Molecular consequence: intron variant.
Genome position (GRCh38, 1-based): chr1:23,796,862, G>C on the plus strand (C>G on the coding strand, the complement: GALE is on the minus strand). VCF-style: chr1-23796862-G-C. GRCh37 (hg19) VCF-style: chr1-24123352-G-C.
Other names: c.709+14C>G (NM_000403.4, NM_001127621.2).
Identifiers: ClinVar variation 92888 (VCV000092888.20), dbSNP rs6692104, ClinGen allele CA146070.

ClinVar aggregate classification (germline): Benign. Review status: criteria provided, multiple submitters, no conflicts (2 of 4 stars). 6 submissions from 6 submitters: Benign (6). Last evaluated 2026-02-02.

Conditions:
UDPglucose-4-epimerase deficiency. Also called: GALACTOSEMIA III; GALE DEFICIENCY; Epimerase Deficiency Galactosemia; UDP-GALACTOSE-4-EPIMERASE DEFICIENCY; Galactose epimerase deficiency; UDPglucose 4-Epimerase Deficiency Disease. Identifiers: Orphanet 352, Orphanet 79238, MedGen C0751161, MONDO:0009257, OMIM 230350.

Allele frequency attached by ClinVar (database versions not stated): gnomAD exomes 0.00429; ExAC 0.00608; gnomAD 0.01661 and 0.01759; ESP Exome Variant Server 0.01915; TOPMed 0.01921; 1000 Genomes Project 0.02077; 1000 Genomes Project 30x 0.02295.
gnomAD v4.1: 5,252 of 1,612,806 alleles (0.33%); highest among the groups gnomAD compares: African/African-American, 5.8%; 129 homozygotes.

Submissions (6):

Labcorp Genetics (formerly Invitae), Labcorp
Classification: Benign for UDPglucose-4-epimerase deficiency. Last evaluated: 2026-02-02. Review status: criteria provided, single submitter. Criteria: Invitae Variant Classification Sherloc (09022015). Collection method: clinical testing. Allele origin: germline.

GeneDx
Classification: Benign. Last evaluated: 2021-05-21. Review status: criteria provided, single submitter. Criteria: GeneDx Variant Classification Process June 2021. Collection method: clinical testing. Allele origin: germline. Affected: yes.

Illumina Laboratory Services, Illumina
Classification: Benign for UDPglucose-4-epimerase deficiency. Last evaluated: 2018-01-13. Review status: criteria provided, single submitter. Criteria: ICSL Variant Classification Criteria 13 December 2019. Collection method: clinical testing. Allele origin: germline.
Comment: This variant was observed in the ICSL laboratory as part of a predisposition screen in an ostensibly healthy population. It had not been previously curated by ICSL or reported in the Human Gene Mutation Database (HGMD: prior to June 1st, 2018), and was therefore a candidate for classification through an automated scoring system. Utilizing variant allele frequency, disease prevalence and penetrance estimates, and inheritance mode, an automated score was calculated to assess if this variant is too frequent to cause the disease. Based on the score and internal cut-off values, a variant classified as benign is not then subjected to further curation. The score for this variant resulted in a classification of benign for this disease.

Eurofins Ntd Llc (ga)
Classification: Benign. Last evaluated: 2013-06-26. Review status: criteria provided, single submitter. Criteria: EGL Classification Definitions 2015. Collection method: clinical testing. Allele origin: germline. Observed: 5 variant alleles, 5 heterozygotes.

Breakthrough Genomics
Classification: Benign. Review status: criteria provided, single submitter. Criteria: ACMG Guidelines, 2015. Collection method: not provided. Allele origin: germline. Inheritance: Autosomal recessive inheritance. Affected: yes.

PreventionGenetics, part of Exact Sciences
Classification: Benign. Review status: criteria provided, single submitter. Criteria: ACMG Guidelines, 2015. Collection method: clinical testing. Allele origin: germline.